The following is an entry in ClinVar:

ClinVar aggregate classification (germline): Conflicting classifications of pathogenicity. Review status: criteria provided, conflicting classifications (1 of 4 stars). 3 submissions from 3 submitters: Uncertain significance (1); Likely benign (2). Last evaluated 2025-10-06.

Conditions:
RYR1-related disorder. Also called: RYR1-related condition; RYR1-related disorders. Identifiers: MedGen CN239331.
Malignant hyperthermia, susceptibility to, 1 (MHS1). Also called: RYR1-Related Malignant Hyperthermia Susceptibility; Malignant hyperthermia suceptibility 1; Anesthesia related hyperthermia; Malignant hyperpyrexia; Fulminating hyperpyrexia; Pharmacogenic myopathy. Identifiers: Orphanet 423, MedGen C2930980, MONDO:0007783, OMIM 145600.

Allele frequency attached by ClinVar (database versions not stated): TOPMed 0.00001.
gnomAD v4.1: 5 of 1,613,652 alleles (0.00031%); highest among the groups gnomAD compares: East Asian, 0.0045%; no homozygotes.

Submissions (3):

Labcorp Genetics (formerly Invitae), Labcorp
Classification: Likely benign for RYR1-related disorder. Last evaluated: 2025-10-06. Review status: criteria provided, single submitter. Criteria: Invitae Variant Classification Sherloc (09022015). Collection method: clinical testing. Allele origin: germline.

All of Us Research Program, National Institutes of Health
Classification: Likely benign for Malignant hyperthermia, susceptibility to, 1. Last evaluated: 2023-10-27. Review status: criteria provided, single submitter. Criteria: ACMG Guidelines, 2015. Collection method: clinical testing. Allele origin: germline. Inheritance: Autosomal dominant inheritance. Observed: 2 variant alleles, 2 heterozygotes.
Comment: This study involves interpretation of variants in research participants for the purpose of population health screening. Participant phenotype was not available at the time of variant classification. Additional details can be found in publication PMID: 35346344, PMCID: PMC8962531

Revvity Omics, Revvity
Classification: Uncertain significance. Last evaluated: 2019-05-03. Review status: criteria provided, single submitter. Criteria: ACMG Guidelines, 2015. Collection method: clinical testing. Allele origin: germline.

NM_000540.3(RYR1):c.11325C>T (p.Ala3775=)

Gene: RYR1 (ryanodine receptor 1; plus strand). Cytogenetic location: 19q13.2.
Variant type: single nucleotide variant.
Coding change: c.11325C>T on transcript NM_000540.3 (MANE Select); coding-DNA position 11325, C replaced by T.
Protein change: p.Ala3775=; no amino-acid change (alanine 3775 retained).
Molecular consequence: synonymous variant.
Genome position (GRCh38, 1-based): chr19:38,534,785, C>T. VCF-style: chr19-38534785-C-T. GRCh37 (hg19) VCF-style: chr19-39025425-C-T.
Other names: c.11310C>T, p.Ala3770= (NM_001042723.2).
Identifiers: ClinVar variation 2161537 (VCV002161537.8), dbSNP rs1971892935, ClinGen allele CA507238863.
Genomic context (GRCh38, chr19:38,534,785, plus strand): 5'-ACAGATGGAGAAGCAGAGGCTCTTGTACCAGCAAGCACGGCTGCACACCCGGGGGGCGGC[C>T]GAGATGGTGCTGCAGATGATCAGTGCCTGCAAAGGTGCCCCTCACATGTGCACTGGACTC-3'
Protein context (NP_000531.2, residues 3765-3785): QQARLHTRGA[Ala3775=]EMVLQMISAC